The following is an entry in ClinVar:

ClinVar aggregate classification (germline): association (0 of 4 stars; one submission).

Conditions:
Carcinoma of colon (CRC). Also called: Colon carcinoma; Colonic carcinoma. Identifiers: MedGen C0699790, MONDO:0002032.

Submission:

Colorectal Cancer Research Lab, Singapore General Hospital
Classification: association for Colorectal cancer. Review status: no assertion criteria provided. Collection method: case-control. Allele origin: germline. Inheritance: Sporadic. Affected: yes.
Comment: Copy number gain and loss are found in cases and rarely in controls.

chr14:20635208..21155433 complex variant

Variant type: Complex.
Identifiers: ClinVar variation 254170 (VCV000254170.1).